The following is an entry in ClinVar:

NM_014244.5(ADAMTS2):c.2458-77A>G

Gene: ADAMTS2 (ADAM metallopeptidase with thrombospondin type 1 motif 2; minus strand). Cytogenetic location: 5q35.3.
Variant type: single nucleotide variant.
Coding change: c.2458-77A>G on transcript NM_014244.5 (MANE Select); 77 bases into the intron before coding-DNA position 2458, A replaced by G.
Molecular consequence: intron variant.
Genome position (GRCh38, 1-based): chr5:179,128,195, T>C on the plus strand (A>G on the coding strand, the complement: ADAMTS2 is on the minus strand). VCF-style: chr5-179128195-T-C. GRCh37 (hg19) VCF-style: chr5-178555196-T-C.
Identifiers: ClinVar variation 679076 (VCV000679076.2), dbSNP rs1427845, ClinGen allele CA133032025.

ClinVar aggregate classification (germline): Likely benign. Review status: criteria provided, multiple submitters, no conflicts (2 of 4 stars). 2 submissions from 2 submitters: Likely benign (2). Last evaluated 2018-06-14.

Allele frequency attached by ClinVar (database versions not stated): gnomAD exomes 0.01060; 1000 Genomes Project 0.01617; 1000 Genomes Project 30x 0.01655; gnomAD 0.01840 and 0.01930; TOPMed 0.01944.
gnomAD v4.1: 17,894 of 1,566,190 alleles (1.1%); highest among the groups gnomAD compares: African/African-American, 4.1%; 161 homozygotes.

Submissions (2):

GeneDx
Classification: Likely benign. Last evaluated: 2018-06-14. Review status: criteria provided, single submitter. Criteria: GeneDx Variant Classification (06012015). Collection method: clinical testing. Allele origin: germline. Affected: yes.
Comment: This variant is considered likely benign or benign based on one or more of the following criteria: it is a conservative change, it occurs at a poorly conserved position in the protein, it is predicted to be benign by multiple in silico algorithms, and/or has population frequency not consistent with disease.

Breakthrough Genomics
Classification: Likely benign. Review status: criteria provided, single submitter. Criteria: ACMG Guidelines, 2015. Collection method: not provided. Allele origin: germline. Inheritance: Autosomal recessive inheritance. Affected: yes.